The following is an entry in ClinVar:

ClinVar aggregate classification (germline): Uncertain significance (0 of 4 stars; one submission).

Conditions:
NAGS-related disorder. Also called: NAGS-related condition.

Submission:

PreventionGenetics, part of Exact Sciences
Classification: Uncertain significance for NAGS-related condition. Last evaluated: 2024-05-03. Review status: no assertion criteria provided. Collection method: clinical testing. Allele origin: germline.
Comment: The NAGS c.950A>G variant is predicted to result in the amino acid substitution p.Asp317Gly. To our knowledge, this variant has not been reported in the literature or in a large population database, indicating this variant is rare. At this time, the clinical significance of this variant is uncertain due to the absence of conclusive functional and genetic evidence.

NM_153006.3(NAGS):c.950A>G (p.Asp317Gly)

Gene: NAGS (N-acetylglutamate synthase; plus strand). Cytogenetic location: 17q21.31.
Variant type: single nucleotide variant.
Coding change: c.950A>G on transcript NM_153006.3 (MANE Select); coding-DNA position 950, A replaced by G.
Protein change: p.Asp317Gly; replaces aspartic acid 317 with glycine.
Molecular consequence: missense variant.
Genome position (GRCh38, 1-based): chr17:44,006,563, A>G. VCF-style: chr17-44006563-A-G. GRCh37 (hg19) VCF-style: chr17-42083931-A-G.
Other names: short protein forms D317G.
Identifiers: ClinVar variation 3344096 (VCV003344096.1).